The following is an entry in ClinVar:

NM_000719.7(CACNA1C):c.5929G>A (p.Val1977Ile)

Genes: CACNA1C (calcium voltage-gated channel subunit alpha1 C; plus strand), CACNA1C-AS1 (CACNA1C antisense RNA 1; minus strand). Cytogenetic location: 12p13.33.
Variant type: single nucleotide variant.
Coding change: c.5929G>A on transcript NM_000719.7 (MANE Select); coding-DNA position 5929, G replaced by A.
Protein change: p.Val1977Ile; replaces valine 1977 with isoleucine.
Molecular consequence: missense variant.
Genome position (GRCh38, 1-based): chr12:2,688,591, G>A. VCF-style: chr12-2688591-G-A. GRCh37 (hg19) VCF-style: chr12-2797757-G-A.
Other names: p.V1977I:GTC>ATC; c.6073G>A, p.Val2025Ile (NM_001129827.2); c.6052G>A, p.Val2018Ile (NM_001129829.2); c.6034G>A, p.Val2012Ile (NM_001129830.3, NM_001167624.3); c.6013G>A, p.Val2005Ile (NM_001129831.2); c.5989G>A, p.Val1997Ile (NM_001129832.2); c.5986G>A, p.Val1996Ile (NM_001129833.2, NM_001129834.2, NM_001129835.2); c.5980G>A, p.Val1994Ile (NM_001129836.2); and 7 more; short protein forms V1977I, V2012I, V2025I, V1983I, V2005I, V2037I, V1966I, V2018I.
Identifiers: ClinVar variation 190627 (VCV000190627.13), dbSNP rs786205741, ClinGen allele CA301188.
Genomic context (GRCh38, chr12:2,688,591, plus strand): 5'-GCCACACCTGGCAGCCGAGGCTGGCCCCCACAGCCCGTCCCCACCCTGCGGCTTGAGGGG[G>A]TCGAGTCCAGTGAGAAACTCAACAGCAGCTTCCCATCCATCCACTGCGGCTCCTGGGCTG-3'
Protein context (NP_000710.5, residues 1967-1987): QPVPTLRLEG[Val1977Ile]ESSEKLNSSF

ClinVar aggregate classification (germline): Conflicting classifications of pathogenicity. Review status: criteria provided, conflicting classifications (1 of 4 stars). 3 submissions from 3 submitters: Uncertain significance (2); Likely benign (1). Last evaluated 2026-01-12.

Conditions:
Cardiovascular phenotype. Identifiers: MedGen CN230736.
Long QT syndrome (LQTS). Identifiers: MedGen C0023976, MeSH D008133, MONDO:0002442. Disease mechanism: loss of function. Inheritance: Various modes of inheritance.

Allele frequency attached by ClinVar (database versions not stated): gnomAD 0.00001; TOPMed 0.00002.
gnomAD v4.1: 25 of 1,613,888 alleles (0.0015%); highest among the groups gnomAD compares: Non-Finnish European, 0.002%; no homozygotes.

Submissions (3):

Labcorp Genetics (formerly Invitae), Labcorp
Classification: Uncertain significance for Long QT syndrome. Last evaluated: 2026-01-12. Review status: criteria provided, single submitter. Criteria: Invitae Variant Classification Sherloc (09022015). Collection method: clinical testing. Allele origin: germline.
Comment: This sequence change replaces valine, which is neutral and non-polar, with isoleucine, which is neutral and non-polar, at codon 1977 of the CACNA1C protein (p.Val1977Ile). This variant is present in population databases (rs786205741, gnomAD 0.007%). This variant has not been reported in the literature in individuals affected with CACNA1C-related conditions. ClinVar contains an entry for this variant (Variation ID: 190627). Invitae Evidence Modeling of protein sequence and biophysical properties (such as structural, functional, and spatial information, amino acid conservation, physicochemical variation, residue mobility, and thermodynamic stability) indicates that this missense variant is not expected to disrupt CACNA1C protein function with a negative predictive value of 95%. In summary, the available evidence is currently insufficient to determine the role of this variant in disease. Therefore, it has been classified as a Variant of Uncertain Significance.

Ambry Genetics
Classification: Uncertain significance for Cardiovascular phenotype. Last evaluated: 2023-06-22. Review status: criteria provided, single submitter. Criteria: Ambry Variant Classification Scheme 2023. Collection method: clinical testing. Allele origin: germline.
Comment: The p.V1977I variant (also known as c.5929G>A), located in coding exon 46 of the CACNA1C gene, results from a G to A substitution at nucleotide position 5929. The valine at codon 1977 is replaced by isoleucine, an amino acid with highly similar properties. This amino acid position is poorly conserved in available vertebrate species. In addition, this alteration is predicted to be tolerated by in silico analysis. Since supporting evidence is limited at this time, the clinical significance of this alteration remains unclear.

GeneDx
Classification: Likely benign. Last evaluated: 2012-08-01. Review status: criteria provided, single submitter. Criteria: GeneDx Variant Classification (06012015). Collection method: clinical testing. Allele origin: germline. Affected: yes.
Comment: This variant is considered likely benign or benign based on one or more of the following criteria: it is a conservative change, it occurs at a poorly conserved position in the protein, it is predicted to be benign by multiple in silico algorithms, and/or has population frequency not consistent with disease.